The following is an entry in ClinVar:

NM_004525.3(LRP2):c.10191C>A (p.His3397Gln)

Gene: LRP2 (LDL receptor related protein 2; minus strand). Cytogenetic location: 2q31.1.
Variant type: single nucleotide variant.
Coding change: c.10191C>A on transcript NM_004525.3 (MANE Select); coding-DNA position 10191, C replaced by A.
Protein change: p.His3397Gln; replaces histidine 3397 with glutamine.
Molecular consequence: missense variant.
Genome position (GRCh38, 1-based): chr2:169,178,005, G>T on the plus strand (C>A on the coding strand, the complement: LRP2 is on the minus strand). VCF-style: chr2-169178005-G-T. GRCh37 (hg19) VCF-style: chr2-170034515-G-T.
Other names: short protein forms H3397Q.
Identifiers: ClinVar variation 1965757 (VCV001965757.5), dbSNP rs1687270527, ClinGen allele CA349149642.

ClinVar aggregate classification (germline): Uncertain significance (1 of 4 stars; one submission).

Submission:

Labcorp Genetics (formerly Invitae), Labcorp
Classification: Uncertain significance. Last evaluated: 2022-04-13. Review status: criteria provided, single submitter. Criteria: Invitae Variant Classification Sherloc (09022015). Collection method: clinical testing. Allele origin: germline.
Comment: In summary, the available evidence is currently insufficient to determine the role of this variant in disease. Therefore, it has been classified as a Variant of Uncertain Significance. Advanced modeling of protein sequence and biophysical properties (such as structural, functional, and spatial information, amino acid conservation, physicochemical variation, residue mobility, and thermodynamic stability) performed at Invitae indicates that this missense variant is not expected to disrupt LRP2 protein function. This variant has not been reported in the literature in individuals affected with LRP2-related conditions. This variant is not present in population databases (gnomAD no frequency). This sequence change replaces histidine, which is basic and polar, with glutamine, which is neutral and polar, at codon 3397 of the LRP2 protein (p.His3397Gln).